The following is an entry in ClinVar:

ClinVar aggregate classification (germline): Benign (0 of 4 stars; one submission).

Conditions:
KIAA0825-related disorder. Also called: KIAA0825-related condition.

Allele frequency attached by ClinVar (database versions not stated): ExAC 0.00020; gnomAD exomes 0.00024; gnomAD 0.00048; TOPMed 0.00050; 1000 Genomes Project 0.00120; 1000 Genomes Project 30x 0.00125.
gnomAD v4.1: 401 of 1,494,592 alleles (0.027%); highest among the groups gnomAD compares: East Asian, 0.92%; 3 homozygotes.

Submission:

PreventionGenetics, part of Exact Sciences
Classification: Benign for KIAA0825-related condition. Last evaluated: 2019-12-13. Review status: no assertion criteria provided. Collection method: clinical testing. Allele origin: germline.
Comment: This variant is classified as benign based on ACMG/AMP sequence variant interpretation guidelines (Richards et al. 2015 PMID: 25741868, with internal and published modifications).

NM_001145678.3(KIAA0825):c.2196T>A (p.Asn732Lys)

Gene: KIAA0825 (KIAA0825; minus strand). Cytogenetic location: 5q15.
Variant type: single nucleotide variant.
Coding change: c.2196T>A on transcript NM_001145678.3 (MANE Select); coding-DNA position 2196, T replaced by A.
Protein change: p.Asn732Lys; replaces asparagine 732 with lysine.
Molecular consequence: missense variant. On other transcripts: non-coding transcript variant (1).
Genome position (GRCh38, 1-based): chr5:94,462,437, A>T on the plus strand (T>A on the coding strand, the complement: KIAA0825 is on the minus strand). VCF-style: chr5-94462437-A-T. GRCh37 (hg19) VCF-style: chr5-93798142-A-T.
Other names: c.2196T>A, p.Asn732Lys (NM_001385712.1, NM_001385713.1, NM_001388325.1); short protein forms N732K.
Identifiers: ClinVar variation 3048701 (VCV003048701.2), dbSNP rs180852937, ClinGen allele CA3344085.
Genomic context (GRCh38, chr5:94,462,437, plus strand): 5'-TGATACTTACTTATATAATTCTGTTAATGGTGAAGTCAAAATGACTAATGTTGTAAACAG[A>T]TTATTACAATGAGTGTGAATTTTAAAAATTTTATCATCTGTATGCTGATGAGGATTCAAA-3'
Protein context (NP_001139150.1, residues 722-742): KIFKIHTHCN[Asn732Lys]LFTTLVILTS